The following is an entry in ClinVar:

ClinVar aggregate classification (germline): Uncertain significance (1 of 4 stars; one submission).

gnomAD v4.1: 1 of 1,613,576 alleles (0.000062%); highest among the groups gnomAD compares: South Asian, 0.0011%; no homozygotes.

Submission:

Labcorp Genetics (formerly Invitae), Labcorp
Classification: Uncertain significance. Last evaluated: 2025-04-03. Review status: criteria provided, single submitter. Criteria: Invitae Variant Classification Sherloc (09022015). Collection method: clinical testing. Allele origin: germline.
Comment: This sequence change replaces phenylalanine, which is neutral and non-polar, with leucine, which is neutral and non-polar, at codon 1334 of the CPLANE1 protein (p.Phe1334Leu). This variant is not present in population databases (gnomAD no frequency). This missense change has been observed in individual(s) with oral-facial-digital syndrome (internal data). In at least one individual the data is consistent with being in trans (on the opposite chromosome) from a pathogenic variant. ClinVar contains an entry for this variant (Variation ID: 3635374). Invitae Evidence Modeling of protein sequence and biophysical properties (such as structural, functional, and spatial information, amino acid conservation, physicochemical variation, residue mobility, and thermodynamic stability) has been performed for this missense variant. However, the output from this modeling did not meet the statistical confidence thresholds required to predict the impact of this variant on CPLANE1 protein function. In summary, the available evidence is currently insufficient to determine the role of this variant in disease. Therefore, it has been classified as a Variant of Uncertain Significance.

NM_001384732.1(CPLANE1):c.4002C>G (p.Phe1334Leu)

Gene: CPLANE1 (ciliogenesis and planar polarity effector complex subunit 1; minus strand). Cytogenetic location: 5p13.2.
Variant type: single nucleotide variant.
Coding change: c.4002C>G on transcript NM_001384732.1 (MANE Select); coding-DNA position 4002, C replaced by G.
Protein change: p.Phe1334Leu; replaces phenylalanine 1334 with leucine.
Molecular consequence: missense variant.
Genome position (GRCh38, 1-based): chr5:37,187,492, G>C on the plus strand (C>G on the coding strand, the complement: CPLANE1 is on the minus strand). VCF-style: chr5-37187492-G-C. GRCh37 (hg19) VCF-style: chr5-37187594-G-C.
Other names: c.4002C>G, p.Phe1334Leu (NM_023073.4); short protein forms F1334L.
Identifiers: ClinVar variation 3635374 (VCV003635374.2).
Genomic context (GRCh38, chr5:37,187,492, plus strand): 5'-TTCTCCAATAAGGCTCAAAATTATATCCTGAATAAGTTCTTCCATATTAAAAAACCGAGA[G>C]AAAGGCAGCATTCTATAAGCCCATTCCACTGCACTAAGACAGTGCTCAATCATACAAGAA-3'
Protein context (NP_001371661.1, residues 1324-1344): AVEWAYRMLP[Phe1334Leu]SRFFNMEELI